The following is an entry in ClinVar:

ClinVar aggregate classification (germline): Pathogenic (1 of 4 stars; one submission).

Conditions:
EGFR-related lung cancer (EGFR). Identifiers: MedGen CN130014.

Submission:

Labcorp Genetics (formerly Invitae), Labcorp
Classification: Pathogenic for EGFR-related lung cancer. Last evaluated: 2023-11-11. Review status: criteria provided, single submitter. Criteria: Invitae Variant Classification Sherloc (09022015). Collection method: clinical testing. Allele origin: germline.
Comment: This sequence change creates a premature translational stop signal (p.Ala698Lysfs*8) in the EGFR gene. It is expected to result in an absent or disrupted protein product. Loss-of-function variants in EGFR are known to be pathogenic (PMID: 7630400, 28726809, 29899996). This variant is not present in population databases (gnomAD no frequency). This variant has not been reported in the literature in individuals affected with EGFR-related conditions. For these reasons, this variant has been classified as Pathogenic.

Literature cited by the submitters: PubMed 7630400; PubMed 28726809; PubMed 29899996.

NM_005228.5(EGFR):c.2090_2091dup (p.Ala698fs)

Gene: EGFR (epidermal growth factor receptor; plus strand). Cytogenetic location: 7p11.2.
Variant type: Duplication.
Coding change: c.2090_2091dup on transcript NM_005228.5 (MANE Select); coding-DNA positions 2090 to 2091, 2 bases duplicated (AA; older notation c.2090_2091dupAA).
Protein change: p.Ala698fs; shifts the reading frame from alanine 698.
Molecular consequence: frameshift variant.
Genome position (GRCh38, 1-based): chr7:55,173,949-55,173,950, AA duplicated. VCF-style (leftmost placement, unchanged base first): chr7-55173948-G-GAA. GRCh37 (hg19) VCF-style: chr7-55241641-G-GAA.
Other names: c.1955_1956dup, p.Ala653fs (NM_001346897.2, NM_001346899.2); c.2090_2091dup, p.Ala698fs (NM_001346898.2); c.1931_1932dup, p.Ala645fs (NM_001346900.2); c.1289_1290dup, p.Ala431fs (NM_001346941.2); short protein forms A431fs, A645fs, A653fs, A698fs.
Identifiers: ClinVar variation 2695031 (VCV002695031.3), dbSNP rs2534724610, ClinGen allele CA2697557279.